The following is an entry in ClinVar:

ClinVar aggregate classification (germline): Pathogenic (1 of 4 stars; one submission).

Conditions:
Anophthalmia/microphthalmia-esophageal atresia syndrome (MCOPS3). Also called: SOX2 Disorder; MICROPHTHALMIA AND ESOPHAGEAL ATRESIA SYNDROME; AEG SYNDROME. Identifiers: Orphanet 77298, MedGen C1859773, MONDO:0008799, OMIM 206900.

Submission:

Labcorp Genetics (formerly Invitae), Labcorp
Classification: Pathogenic for Anophthalmia/microphthalmia-esophageal atresia syndrome. Last evaluated: 2020-03-26. Review status: criteria provided, single submitter. Criteria: Invitae Variant Classification Sherloc (09022015). Collection method: clinical testing. Allele origin: germline.
Comment: This variant has not been reported in the literature in individuals with SOX2-related conditions. This variant disrupts the C-terminus of the SOX2 protein. Other variant(s) that disrupt this region (p.Leu82Valfs*13) have been determined to be pathogenic (PMID: 24804704). This suggests that variants that disrupt this region of the protein are likely to be causative of disease. For these reasons, this variant has been classified as Pathogenic. This sequence change results in a premature translational stop signal in the SOX2 gene (p.Met59Trpfs*44). While this is not anticipated to result in nonsense mediated decay, it is expected to disrupt the last 259 amino acids of the SOX2 protein. This variant is not present in population databases (ExAC no frequency).

Literature cited by the submitters: PubMed 24804704.

NM_003106.4(SOX2):c.175del (p.Met59fs)

Genes: SOX2 (SRY-box transcription factor 2; plus strand), SOX2-OT (SOX2 overlapping transcript; plus strand), LOC108281177 (SOX2 5' regulatory region; plus strand). Cytogenetic location: 3q26.33.
Variant type: Deletion.
Coding change: c.175del on transcript NM_003106.4 (MANE Select); coding-DNA position 175, one base deleted (A; older notation c.175delA).
Protein change: p.Met59fs; shifts the reading frame from methionine 59.
Molecular consequence: frameshift variant.
Genome position (GRCh38, 1-based): chr3:181,712,535, A deleted. VCF-style (leftmost placement, unchanged base first): chr3-181712534-GA-G. GRCh37 (hg19) VCF-style: chr3-181430322-GA-G.
Other names: short protein forms M59fs.
Identifiers: ClinVar variation 1075154 (VCV001075154.9), dbSNP rs2108521702, ClinGen allele CA2499216598.